The following is an entry in ClinVar:

ClinVar aggregate classification (germline): Conflicting classifications of pathogenicity. Review status: criteria provided, conflicting classifications (1 of 4 stars). 2 submissions from 2 submitters: Uncertain significance (1); Benign (1). Last evaluated 2025-12-18.

Conditions:
Familial thoracic aortic aneurysm and aortic dissection (TAAD). Also called: Thoracic aortic aneurysms and dissections. Identifiers: Orphanet 91387, MedGen C4707243, MONDO:0019625.
Ehlers-Danlos syndrome, classic type, 1 (EDSCL1). Also called: EHLERS-DANLOS SYNDROME, GRAVIS TYPE; EHLERS-DANLOS SYNDROME, SEVERE CLASSIC TYPE; Ehlers-Danlos syndrome, type 1; EDS I; Ehlers-Danlos Syndrome, Classic Type, COL5A1-Related. Identifiers: MedGen C0268335, MONDO:0019567, OMIM 130000.

Allele frequency attached by ClinVar (database versions not stated): gnomAD exomes 0.00002; TOPMed below 0.00001; gnomAD 0.00001.
gnomAD v4.1: 24 of 1,610,974 alleles (0.0015%); highest among the groups gnomAD compares: Non-Finnish European, 0.0019%; no homozygotes.

Submissions (2):

Ambry Genetics
Classification: Uncertain significance for Familial thoracic aortic aneurysm and aortic dissection. Last evaluated: 2025-12-18. Review status: criteria provided, single submitter. Criteria: Ambry Variant Classification Scheme 2023. Collection method: clinical testing. Allele origin: germline.
Comment: The p.D151G variant (also known as c.452A>G), located in coding exon 3 of the COL5A1 gene, results from an A to G substitution at nucleotide position 452. The aspartic acid at codon 151 is replaced by glycine, an amino acid with similar properties. This amino acid position is well conserved in available vertebrate species. In addition, this alteration is predicted to be tolerated by in silico analysis. Based on the available evidence, the clinical significance of this variant remains unclear.

Labcorp Genetics (formerly Invitae), Labcorp
Classification: Benign for Ehlers-Danlos syndrome, classic type, 1. Last evaluated: 2023-01-27. Review status: criteria provided, single submitter. Criteria: Invitae Variant Classification Sherloc (09022015). Collection method: clinical testing. Allele origin: germline.

NM_000093.5(COL5A1):c.452A>G (p.Asp151Gly)

Gene: COL5A1 (collagen type V alpha 1 chain; plus strand). Cytogenetic location: 9q34.3.
Variant type: single nucleotide variant.
Coding change: c.452A>G on transcript NM_000093.5 (MANE Select); coding-DNA position 452, A replaced by G.
Protein change: p.Asp151Gly; replaces aspartic acid 151 with glycine.
Molecular consequence: missense variant.
Genome position (GRCh38, 1-based): chr9:134,700,083, A>G. VCF-style: chr9-134700083-A-G. GRCh37 (hg19) VCF-style: chr9-137591929-A-G.
Other names: c.452A>G, p.Asp151Gly (NM_001278074.1); c.452A>G (NM_000093.3); short protein forms D151G.
Identifiers: ClinVar variation 2052614 (VCV002052614.5), dbSNP rs1337546039, ClinGen allele CA375443099.
Genomic context (GRCh38, chr9:134,700,083, plus strand): 5'-AGCTGGGCCGCTCTCCCGTCTTCCTCTACGAGGACCACACGGGGAAGCCTGGCCCGGAAG[A>G]CTACCCCCTCTTCCGGGGCATCAACCTGTCAGATGGCAAGTAAGTGGGCACTTCTGGGCA-3'
Protein context (NP_000084.3, residues 141-161): EDHTGKPGPE[Asp151Gly]YPLFRGINLS